The following is an entry in ClinVar:

NM_025114.4(CEP290):c.881C>A (p.Ser294Ter)

Gene: CEP290 (centrosomal protein 290; minus strand). Cytogenetic location: 12q21.32.
Variant type: single nucleotide variant.
Coding change: c.881C>A on transcript NM_025114.4 (MANE Select); coding-DNA position 881, C replaced by A.
Protein change: p.Ser294Ter; replaces serine 294 with a stop codon.
Molecular consequence: nonsense.
Genome position (GRCh38, 1-based): chr12:88,129,007, G>T on the plus strand (C>A on the coding strand, the complement: CEP290 is on the minus strand). VCF-style: chr12-88129007-G-T. GRCh37 (hg19) VCF-style: chr12-88522784-G-T.
Other names: short protein forms S294*.
Identifiers: ClinVar variation 2142594 (VCV002142594.4), dbSNP rs1592668925, ClinGen allele CA385983943.

ClinVar aggregate classification (germline): Pathogenic (1 of 4 stars; one submission).

Conditions:
Joubert syndrome. Also called: CEREBELLOPARENCHYMAL DISORDER IV; JOUBERT-BOLTSHAUSER SYNDROME; Familial aplasia of the vermis. Identifiers: Orphanet 475, MedGen C5979921, MONDO:0018772.
Nephronophthisis. Also called: Juvenile Nephronophthisis. Identifiers: Orphanet 655, MedGen C0687120, MONDO:0019005, HP:0000090.
Meckel-Gruber syndrome. Also called: DYSENCEPHALIA SPLANCHNOCYSTICA; GRUBER SYNDROME; Dysencephalia splachnocystica. Identifiers: Orphanet 564, MedGen C0265215, MONDO:0018921.

Submission:

Labcorp Genetics (formerly Invitae), Labcorp
Classification: Pathogenic for Joubert syndrome; Meckel-Gruber syndrome; Nephronophthisis. Last evaluated: 2022-10-19. Review status: criteria provided, single submitter. Criteria: Invitae Variant Classification Sherloc (09022015). Collection method: clinical testing. Allele origin: germline.
Comment: This sequence change creates a premature translational stop signal (p.Ser294*) in the CEP290 gene. It is expected to result in an absent or disrupted protein product. Loss-of-function variants in CEP290 are known to be pathogenic (PMID: 16909394, 17345604, 20690115). This variant is not present in population databases (gnomAD no frequency). This premature translational stop signal has been observed in individual(s) with inherited retinal dystrophy (PMID: 32865313). For these reasons, this variant has been classified as Pathogenic.

Literature cited by the submitters: PubMed 16909394; PubMed 17345604; PubMed 20690115; PubMed 32865313.